The following is an entry in ClinVar:

ClinVar aggregate classification (germline): Benign/Likely benign. Review status: criteria provided, multiple submitters, no conflicts (2 of 4 stars). 5 submissions from 5 submitters: Benign (1); Likely benign (4). Last evaluated 2025-10-11.

Conditions:
Hereditary nonpolyposis colorectal neoplasms. Identifiers: MedGen C0009405, MeSH D003123.
Hereditary cancer-predisposing syndrome. Also called: Neoplastic Syndromes, Hereditary; Tumor predisposition; Hereditary Cancer Syndrome; Hereditary neoplastic syndrome. Identifiers: Orphanet 140162, MedGen C0027672, MeSH D009386, MONDO:0015356.
Lynch syndrome 4 (LYNCH4). Also called: Colorectal cancer, hereditary nonpolyposis, type 4; Hereditary non-polyposis colorectal cancer, type 4. Identifiers: Orphanet 144, MedGen C1838333, MONDO:0013699, OMIM 614337. Disease mechanism: loss of function.
Lynch syndrome. Identifiers: Orphanet 144, MedGen C4552100, MONDO:0005835. Disease mechanism: loss of function.

Allele frequency attached by ClinVar (database versions not stated): gnomAD exomes below 0.00001; TOPMed below 0.00001; gnomAD 0.00001.
gnomAD v4.1: 2 of 1,613,990 alleles (0.00012%); highest among the groups gnomAD compares: Non-Finnish European, 0.00017%; no homozygotes.

Submissions (5):

Labcorp Genetics (formerly Invitae), Labcorp
Classification: Likely benign for Hereditary nonpolyposis colorectal neoplasms. Last evaluated: 2025-10-11. Review status: criteria provided, single submitter. Criteria: Invitae Variant Classification Sherloc (09022015). Collection method: clinical testing. Allele origin: germline.

Myriad Genetics, Inc.
Classification: Benign for Lynch syndrome 4. Last evaluated: 2025-01-30. Review status: criteria provided, single submitter. Criteria: Myriad Autosomal Dominant, Autosomal Recessive and X-Linked Classification Criteria (2023). Collection method: clinical testing. Allele origin: unknown.
Comment: This variant is considered benign. This variant is a silent/synonymous amino acid change and it is not expected to impact splicing.

All of Us Research Program, National Institutes of Health
Classification: Likely benign for Lynch syndrome. Last evaluated: 2024-04-25. Review status: criteria provided, single submitter. Criteria: ACMG Guidelines, 2015. Collection method: clinical testing. Allele origin: germline. Inheritance: Autosomal dominant inheritance. Observed: 1 variant allele, 1 heterozygote.
Comment: This study involves interpretation of variants in research participants for the purpose of population health screening. Participant phenotype was not available at the time of variant classification. Additional details can be found in publication PMID: 35346344, PMCID: PMC8962531

Color Diagnostics, LLC DBA Color Health
Classification: Likely benign for Hereditary cancer-predisposing syndrome. Last evaluated: 2024-04-10. Review status: criteria provided, single submitter. Criteria: ACMG Guidelines, 2015. Collection method: clinical testing. Allele origin: germline.

Ambry Genetics
Classification: Likely benign for Hereditary cancer-predisposing syndrome. Last evaluated: 2015-11-03. Review status: criteria provided, single submitter. Criteria: Ambry Variant Classification Scheme 2023. Collection method: clinical testing. Allele origin: germline.

NM_000535.7(PMS2):c.1512G>A (p.Glu504=)

Gene: PMS2 (PMS1 homolog 2, mismatch repair system component; minus strand). Cytogenetic location: 7p22.1.
Variant type: single nucleotide variant.
Coding change: c.1512G>A on transcript NM_000535.7 (MANE Select); coding-DNA position 1512, G replaced by A.
Protein change: p.Glu504=; no amino-acid change (glutamic acid 504 retained).
Molecular consequence: synonymous variant. On other transcripts: non-coding transcript variant (1).
Genome position (GRCh38, 1-based): chr7:5,987,253, C>T on the plus strand (G>A on the coding strand, the complement: PMS2 is on the minus strand). VCF-style: chr7-5987253-C-T. GRCh37 (hg19) VCF-style: chr7-6026884-C-T.
Other names: c.1107G>A, p.Glu369= (NM_001322003.2, NM_001322004.2, NM_001322005.2 and 1 more transcripts); c.1356G>A, p.Glu452= (NM_001322006.2); c.1194G>A, p.Glu398= (NM_001322007.2, NM_001322008.2); c.951G>A, p.Glu317= (NM_001322010.2); c.579G>A, p.Glu193= (NM_001322011.2, NM_001322012.2); c.939G>A, p.Glu313= (NM_001322013.2); c.1512G>A, p.Glu504= (NM_001322014.2); c.1203G>A, p.Glu401= (NM_001322015.2).
Identifiers: ClinVar variation 1001356 (VCV001001356.14), dbSNP rs1783067092, ClinGen allele CA453747678.
Genomic context (GRCh38, chr7:5,987,253, plus strand): 5'-TGGGGAGCTGGCCGCATACTCGCTGCTGCAGTGACTGCCCGTGTCTGGGATGCTGAACCC[C>T]TCAGAATCCACGGAAGTGCTGCCGTGCCCCGAGTCCTTCTCCACCTCCGCTCTGTCCGTA-3'
Protein context (NP_000526.2, residues 494-514): SGHGSTSVDS[Glu504=]GFSIPDTGSH